The following is an entry in ClinVar:

NM_001292034.3(TAB2):c.1345A>G (p.Thr449Ala)

Genes: TAB2 (TGF-beta activated kinase 1 (MAP3K7) binding protein 2; plus strand), LOC126859827 (BRD4-independent group 4 enhancer GRCh37_chr6:149699707-149700906; plus strand). Cytogenetic location: 6q25.1.
Variant type: single nucleotide variant.
Coding change: c.1345A>G on transcript NM_001292034.3 (MANE Select); coding-DNA position 1345, A replaced by G.
Protein change: p.Thr449Ala; replaces threonine 449 with alanine.
Molecular consequence: missense variant.
Genome position (GRCh38, 1-based): chr6:149,379,260, A>G. VCF-style: chr6-149379260-A-G. GRCh37 (hg19) VCF-style: chr6-149700396-A-G.
Other names: c.1249A>G, p.Thr417Ala (NM_001292035.3); c.1345A>G, p.Thr449Ala (NM_001369506.1, NM_015093.6); short protein forms T417A, T449A.
Identifiers: ClinVar variation 4707541 (VCV004707541.1).

ClinVar aggregate classification (germline): Uncertain significance (1 of 4 stars; one submission).

gnomAD v4.1: 7 of 1,614,112 alleles (0.00043%); highest among the groups gnomAD compares: Admixed American, 0.0033%; no homozygotes.

Submission:

Labcorp Genetics (formerly Invitae), Labcorp
Classification: Uncertain significance. Last evaluated: 2025-10-02. Review status: criteria provided, single submitter. Criteria: Invitae Variant Classification Sherloc (09022015). Collection method: clinical testing. Allele origin: germline.
Comment: This sequence change replaces threonine, which is neutral and polar, with alanine, which is neutral and non-polar, at codon 449 of the TAB2 protein (p.Thr449Ala). This variant is present in population databases (no rsID available, gnomAD 0.006%). This variant has not been reported in the literature in individuals affected with TAB2-related conditions. Invitae Evidence Modeling of protein sequence and biophysical properties (such as structural, functional, and spatial information, amino acid conservation, physicochemical variation, residue mobility, and thermodynamic stability) indicates that this missense variant is not expected to disrupt TAB2 protein function with a negative predictive value of 80%. In summary, the available evidence is currently insufficient to determine the role of this variant in disease. Therefore, it has been classified as a Variant of Uncertain Significance.